The following is an entry in ClinVar:

ClinVar aggregate classification (germline): Likely benign. Review status: criteria provided, multiple submitters, no conflicts (2 of 4 stars). 4 submissions from 4 submitters: Likely benign (3). 1 of the submissions does not count toward it. Last evaluated 2023-12-17.

Conditions:
Hereditary breast ovarian cancer syndrome. Also called: Hereditary breast and ovarian cancer syndrome (HBOC); Hereditary breast and/or ovarian cancer syndrome; Hereditary breast and ovarian cancer syndrome; Breast and ovarian cancer; BRCA1- and BRCA2-Associated Hereditary Breast and Ovarian Cancer; Hereditary breast and ovarian cancer. Identifiers: Orphanet 145, MedGen C0677776, MeSH D061325, MONDO:0003582. Disease mechanism: loss of function.
Hereditary cancer-predisposing syndrome. Also called: Neoplastic Syndromes, Hereditary; Hereditary Cancer Syndrome; Tumor predisposition; Hereditary neoplastic syndrome. Identifiers: Orphanet 140162, MedGen C0027672, MeSH D009386, MONDO:0015356.

Submissions (4):

Women's Health and Genetics/Laboratory Corporation of America, LabCorp
Classification: Likely benign. Last evaluated: 2023-12-17. Review status: criteria provided, single submitter. Criteria: LabCorp Variant Classification Summary - May 2015. Collection method: clinical testing. Allele origin: germline.

Labcorp Genetics (formerly Invitae), Labcorp
Classification: Likely benign for Hereditary breast ovarian cancer syndrome. Last evaluated: 2023-07-07. Review status: criteria provided, single submitter. Criteria: Invitae Variant Classification Sherloc (09022015). Collection method: clinical testing. Allele origin: germline.

Ambry Genetics
Classification: Likely benign for Hereditary cancer-predisposing syndrome. Last evaluated: 2022-06-27. Review status: criteria provided, single submitter. Criteria: Ambry Variant Classification Scheme 2023. Collection method: clinical testing. Allele origin: germline.

King Laboratory, University of Washington
Classification: Benign. Last evaluated: 2019-09-01. Review status: no assertion criteria provided. Collection method: research. Allele origin: germline. Affected: yes. Not counted in ClinVar's aggregate classification.
Comment: Transcript analysis by cBROCA

Literature cited by the submitters: PubMed 31843900 (cited by King Laboratory, University of Washington).

NM_007294.4(BRCA1):c.5097G>A (p.Arg1699=)

Gene: BRCA1 (BRCA1 DNA repair associated; minus strand). Cytogenetic location: 17q21.31.
Variant type: single nucleotide variant.
Coding change: c.5097G>A on transcript NM_007294.4 (MANE Select); coding-DNA position 5097, G replaced by A.
Protein change: p.Arg1699=; no amino-acid change (arginine 1699 retained).
Molecular consequence: synonymous variant. On other transcripts: intron variant (2).
Genome position (GRCh38, 1-based): chr17:43,063,929, C>T on the plus strand (G>A on the coding strand, the complement: BRCA1 is on the minus strand). VCF-style: chr17-43063929-C-T. GRCh37 (hg19) VCF-style: chr17-41215946-C-T.
Other names: c.5091G>A, p.Arg1697= (NM_001407639.1, NM_001407640.1, NM_001407641.1 and 14 more transcripts); c.5088G>A, p.Arg1696= (NM_001407644.1, NM_001407645.1); c.5085G>A, p.Arg1695= (NM_001407646.1); c.5082G>A, p.Arg1694= (NM_001407647.1); c.5040G>A, p.Arg1680= (NM_001407648.1); c.5037G>A, p.Arg1679= (NM_001407649.1); c.5019G>A, p.Arg1673= (NM_001407653.1, NM_001407654.1, NM_001407655.1); c.5016G>A, p.Arg1672= (NM_001407656.1, NM_001407657.1, NM_001407658.1); and 73 more.
Identifiers: ClinVar variation 873409 (VCV000873409.15), dbSNP rs2051927969, ClinGen allele CA500146210.
Genomic context (GRCh38, chr17:43,063,929, plus strand): 5'-CTTACAGAAATAGCTAACTACCCATTTTCCTCCCGCAATTCCTAGAAAATATTTCAGTGT[C>T]CGTTCACACACAAACTCAGCATCTGCAGAATGAAAAACACTCAAAGGATTAGAAGTTGAA-3'
Protein context (NP_009225.1, residues 1689-1709): MKTDAEFVCE[Arg1699=]TLKYFLGIAG